The following is an entry in ClinVar:

NM_001370338.1(SLC7A2):c.-22-4447G>A

Gene: SLC7A2 (solute carrier family 7 member 2; plus strand). Cytogenetic location: 8p22.
Variant type: single nucleotide variant.
Coding change: c.-22-4447G>A on transcript NM_001370338.1 (MANE Select); 4447 bases into the intron before 22 bases upstream of the start codon, G replaced by A.
Molecular consequence: intron variant. On other transcripts: missense variant (2).
Genome position (GRCh38, 1-based): chr8:17,538,871, G>A. VCF-style: chr8-17538871-G-A. GRCh37 (hg19) VCF-style: chr8-17396380-G-A.
Other names: c.47G>A, p.Arg16Gln (NM_001164771.2, NM_003046.6); c.-22-4447G>A (NM_001370337.1, NM_001008539.4); short protein forms R16Q.
Identifiers: ClinVar variation 3059691 (VCV003059691.2), dbSNP rs13259948, ClinGen allele CA4644499.

ClinVar aggregate classification (germline): Benign (0 of 4 stars; one submission).

Conditions:
SLC7A2-related disorder. Also called: SLC7A2-related condition.

Allele frequency attached by ClinVar (database versions not stated): 1000 Genomes Project 0.05950; 1000 Genomes Project 30x 0.06090; TOPMed 0.12253; gnomAD 0.13579; ExAC 0.14125; ESP Exome Variant Server 0.14382.
gnomAD v4.1: 285,364 of 1,609,622 alleles (18%); highest among the groups gnomAD compares: Non-Finnish European, 21%; 28,858 homozygotes.

Submission:

PreventionGenetics, part of Exact Sciences
Classification: Benign for SLC7A2-related condition. Last evaluated: 2019-11-01. Review status: no assertion criteria provided. Collection method: clinical testing. Allele origin: germline.
Comment: This variant is classified as benign based on ACMG/AMP sequence variant interpretation guidelines (Richards et al. 2015 PMID: 25741868, with internal and published modifications).